The following is an entry in ClinVar:

NM_000051.4(ATM):c.8851-3T>G

Genes: ATM (ATM serine/threonine kinase; plus strand), C11orf65 (chromosome 11 open reading frame 65; minus strand). Cytogenetic location: 11q22.3.
Variant type: single nucleotide variant.
Coding change: c.8851-3T>G on transcript NM_000051.4 (MANE Select); 3 bases into the intron before coding-DNA position 8851, T replaced by G.
Molecular consequence: intron variant.
Genome position (GRCh38, 1-based): chr11:108,365,079, T>G. VCF-style: chr11-108365079-T-G. GRCh37 (hg19) VCF-style: chr11-108235806-T-G.
Other names: c.8851-3T>G (NM_001351834.2); c.640+20841A>C (NM_001330368.2); c.694+20841A>C (NM_001351110.2).
Identifiers: ClinVar variation 230808 (VCV000230808.61), dbSNP rs748874219, ClinGen allele CA6266483.

ClinVar aggregate classification (germline): Conflicting classifications of pathogenicity. Review status: criteria provided, conflicting classifications (1 of 4 stars). 8 submissions from 8 submitters: Uncertain significance (6); Likely benign (2). Last evaluated 2026-01-19.

Conditions:
Hereditary cancer-predisposing syndrome. Also called: Neoplastic Syndromes, Hereditary; Hereditary neoplastic syndrome; Tumor predisposition; Hereditary Cancer Syndrome. Identifiers: Orphanet 140162, MedGen C0027672, MeSH D009386, MONDO:0015356.
Familial cancer of breast. Also called: hereditary breast carcinoma; Hereditary breast cancer; BREAST CANCER, FAMILIAL. Identifiers: Orphanet 227535, MedGen C0346153, MONDO:0016419, OMIM 114480. Disease mechanism: loss of function.
Ataxia-telangiectasia syndrome (AT). Also called: Ataxia telangiectasia (A-T); Cerebello-oculocutaneous telangiectasia; Immunodeficiency with ataxia telangiectasia; LOUIS-BAR SYNDROME; AT, COMPLEMENTATION GROUP C; ATAXIA-TELANGIECTASIA, FRESNO VARIANT. Identifiers: Orphanet 100, MedGen C0004135, MONDO:0008840, OMIM 208900.

Allele frequency attached by ClinVar (database versions not stated): TOPMed 0.00001; gnomAD exomes 0.00009.
gnomAD v4.1: 65 of 1,613,896 alleles (0.004%); highest among the groups gnomAD compares: Non-Finnish European, 0.005%; no homozygotes.

Submissions (8):

Labcorp Genetics (formerly Invitae), Labcorp
Classification: Likely benign for Ataxia-telangiectasia syndrome. Last evaluated: 2026-01-19. Review status: criteria provided, single submitter. Criteria: Invitae Variant Classification Sherloc (09022015). Collection method: clinical testing. Allele origin: germline.

Center for Genomic Medicine, Rigshospitalet, Copenhagen University Hospital
Classification: Uncertain significance. Last evaluated: 2025-12-29. Review status: criteria provided, single submitter. Criteria: ACMG Guidelines, 2015. Collection method: clinical testing. Allele origin: germline.

Molecular Diagnostics Laboratory, Catalan Institute of Oncology
Classification: Uncertain significance for Hereditary cancer-predisposing syndrome. Last evaluated: 2025-01-09. Review status: criteria provided, single submitter. Criteria: ClinGen ACMG Specifications ATM V1.1.0. Collection method: clinical testing. Allele origin: germline.
Comment: ATM:c.8851-3T>G is an intronic variant located close to a canonical splice site. This variant is found in 22/268124 alleles at a frequency of 0.008% in the gnomAD v2.1.1 database, non-cancer dataset. The SpliceAI algorithm results in a non-informative deltascore (0.29) for the effect of this variant on splicing. To our knowledge, neither relevant clinical data nor well-established functional studies have been reported for this variant. This variant has been reported in the ClinVar database (2x likely benign, 3x uncertain significance) and has not been reported in LOVD. Based on currently available information, the variant c.8851-3T>G should be considered an uncertain significance variant according to ACMG Classification Rules Specified for ATM v1.1.

Department of Pathology and Laboratory Medicine, Sinai Health System
Classification: Uncertain significance for Familial cancer of breast; Ataxia-telangiectasia syndrome. Last evaluated: 2024-12-10. Review status: criteria provided, single submitter. Criteria: ACMG Guidelines, 2015. Collection method: clinical testing. Allele origin: germline.

Color Diagnostics, LLC DBA Color Health
Classification: Uncertain significance for Hereditary cancer-predisposing syndrome. Last evaluated: 2024-05-08. Review status: criteria provided, single submitter. Criteria: ACMG Guidelines, 2015. Collection method: clinical testing. Allele origin: germline.
Comment: This variant causes a T to G nucleotide substitution at the -3 position of intron 61 of the ATM gene. Splice site prediction tools suggest that this variant may impact RNA splicing, although this prediction has not been confirmed in published RNA studies. To our knowledge, this variant has not been reported in individuals affected with hereditary cancer in the literature. This variant has been identified in 23/251204 chromosomes in the general population by the Genome Aggregation Database (gnomAD). The available evidence is insufficient to determine the role of this variant in disease conclusively. Therefore, this variant is classified as a Variant of Uncertain Significance.

GeneDx
Classification: Uncertain significance. Last evaluated: 2022-08-26. Review status: criteria provided, single submitter. Criteria: GeneDx Variant Classification Process June 2021. Collection method: clinical testing. Allele origin: germline. Affected: yes.
Comment: In silico analysis supports that this variant does not alter splicing; This variant is associated with the following publications: (PMID: 28779002)

Ambry Genetics
Classification: Likely benign for Hereditary cancer-predisposing syndrome. Last evaluated: 2020-01-13. Review status: criteria provided, single submitter. Criteria: Ambry Variant Classification Scheme 2023. Collection method: clinical testing. Allele origin: germline.

Illumina Laboratory Services, Illumina
Classification: Uncertain significance for Ataxia-telangiectasia syndrome. Last evaluated: 2018-01-13. Review status: criteria provided, single submitter. Criteria: ICSL Variant Classification Criteria 13 December 2019. Collection method: clinical testing. Allele origin: germline.